The following is an entry in ClinVar:

ClinVar aggregate classification (germline): Uncertain significance. Review status: criteria provided, multiple submitters, no conflicts (2 of 4 stars). 2 submissions from 2 submitters: Uncertain significance (2). Last evaluated 2026-02-13.

Conditions:
Aortic aneurysm, familial thoracic 8 (AAT8). Identifiers: MedGen C3809513, MONDO:0014187, OMIM 615436.
Familial thoracic aortic aneurysm and aortic dissection (TAAD). Also called: Thoracic aortic aneurysms and dissections. Identifiers: Orphanet 91387, MedGen C4707243, MONDO:0019625.

Submissions (2):

Ambry Genetics
Classification: Uncertain significance for Familial thoracic aortic aneurysm and aortic dissection. Last evaluated: 2026-02-13. Review status: criteria provided, single submitter. Criteria: Ambry Variant Classification Scheme 2023. Collection method: clinical testing. Allele origin: germline.
Comment: The p.E27Q variant (also known as c.79G>C), located in coding exon 1 of the PRKG1 gene, results from a G to C substitution at nucleotide position 79. The glutamic acid at codon 27 is replaced by glutamine, an amino acid with highly similar properties. This amino acid position is highly conserved in available vertebrate species. In addition, the in silico prediction for this alteration is inconclusive. Based on the available evidence, the clinical significance of this variant remains unclear.

Labcorp Genetics (formerly Invitae), Labcorp
Classification: Uncertain significance for Aortic aneurysm, familial thoracic 8. Last evaluated: 2020-08-20. Review status: criteria provided, single submitter. Criteria: Invitae Variant Classification Sherloc (09022015). Collection method: clinical testing. Allele origin: germline.
Comment: In summary, the available evidence is currently insufficient to determine the role of this variant in disease. Therefore, it has been classified as a Variant of Uncertain Significance. Algorithms developed to predict the effect of missense changes on protein structure and function (SIFT, PolyPhen-2, Align-GVGD) all suggest that this variant is likely to be tolerated, but these predictions have not been confirmed by published functional studies and their clinical significance is uncertain. This variant has not been reported in the literature in individuals with PRKG1-related conditions. This variant is not present in population databases (ExAC no frequency). This sequence change replaces glutamic acid with glutamine at codon 27 of the PRKG1 protein (p.Glu27Gln). The glutamic acid residue is moderately conserved and there is a small physicochemical difference between glutamic acid and glutamine.

NM_006258.4(PRKG1):c.79G>C (p.Glu27Gln)

Gene: PRKG1 (protein kinase cGMP-dependent 1; plus strand). Cytogenetic location: 10q11.23.
Variant type: single nucleotide variant.
Coding change: c.79G>C on transcript NM_006258.4 (MANE Select); coding-DNA position 79, G replaced by C.
Protein change: p.Glu27Gln; replaces glutamic acid 27 with glutamine.
Molecular consequence: missense variant. On other transcripts: intron variant (1).
Genome position (GRCh38, 1-based): chr10:51,074,669, G>C. VCF-style: chr10-51074669-G-C. GRCh37 (hg19) VCF-style: chr10-52834429-G-C.
Other names: c.79G>C, p.Glu27Gln (NM_001374782.1); c.267-78495G>C (NM_001098512.3); c.79G>C (NM_006258.3); short protein forms E27Q.
Identifiers: ClinVar variation 999214 (VCV000999214.9), dbSNP rs1843900542, ClinGen allele CA376826742.